The following is an entry in ClinVar:

NM_004563.4(PCK2):c.310C>T (p.Arg104Ter)

Genes: NRL (neural retina leucine zipper; minus strand), PCK2 (phosphoenolpyruvate carboxykinase 2, mitochondrial; plus strand). Cytogenetic location: 14q11.2.
Variant type: single nucleotide variant.
Coding change: c.310C>T on transcript NM_004563.4 (MANE Select); coding-DNA position 310, C replaced by T.
Protein change: p.Arg104Ter; replaces arginine 104 with a stop codon.
Molecular consequence: nonsense. On other transcripts: intron variant (3), 5 prime UTR variant (2).
Genome position (GRCh38, 1-based): chr14:24,098,237, C>T. VCF-style: chr14-24098237-C-T. GRCh37 (hg19) VCF-style: chr14-24567446-C-T.
Other names: c.-27-15362G>A (NM_001354768.3, NM_001354770.2); c.-253-13492G>A (NM_006177.5); c.310C>T, p.Arg104Ter (NM_001018073.3); c.-93C>T (NM_001291556.2, NM_001308054.2); short protein forms R104*.
Identifiers: ClinVar variation 393237 (VCV000393237.5), dbSNP rs142415107, ClinGen allele CA7123089.

ClinVar aggregate classification (germline): Uncertain significance. Review status: criteria provided, multiple submitters, no conflicts (2 of 4 stars). 2 submissions from 2 submitters: Uncertain significance (2). Last evaluated 2025-10-01.

Allele frequency attached by ClinVar (database versions not stated): gnomAD 0.00001; TOPMed 0.00001; gnomAD exomes 0.00002.
gnomAD v4.1: 31 of 1,613,228 alleles (0.0019%); highest among the groups gnomAD compares: Admixed American, 0.005%; no homozygotes.

Submissions (2):

Labcorp Genetics (formerly Invitae), Labcorp
Classification: Uncertain significance. Last evaluated: 2025-10-01. Review status: criteria provided, single submitter. Criteria: Invitae Variant Classification Sherloc (09022015). Collection method: clinical testing. Allele origin: germline.
Comment: This sequence change creates a premature translational stop signal (p.Arg104*) in the PCK2 gene. It is expected to result in an absent or disrupted protein product. However, the current clinical and genetic evidence is not sufficient to establish whether loss-of-function variants in PCK2 cause disease. This variant is present in population databases (rs142415107, gnomAD 0.006%). This variant has not been reported in the literature in individuals affected with PCK2-related conditions. ClinVar contains an entry for this variant (Variation ID: 393237). Algorithms developed to predict the effect of sequence changes on RNA splicing suggest that this variant may disrupt the consensus splice site. In summary, the available evidence is currently insufficient to determine the role of this variant in disease. Therefore, it has been classified as a Variant of Uncertain Significance.

GeneDx
Classification: Uncertain significance. Last evaluated: 2017-02-01. Review status: criteria provided, single submitter. Criteria: GeneDx Variant Classification (06012015). Collection method: clinical testing. Allele origin: germline. Affected: yes.
Comment: The R104X variant in the PCK2 gene has not been reported previously as a pathogenic variant nor as a benign variant, to our knowledge. This variant is predicted to cause loss of normal protein function either through protein truncation or nonsense-mediated mRNA decay. The R104X variant was not observed in approximately 6,500 individuals of European and African American ancestry in the NHLBI Exome Sequencing Project, indicating it is not a common benign variant in these populations. We interpret R104X as a variant of uncertain significance.